The following is an entry in ClinVar:

NM_000128.4(F11):c.534_541del (p.Thr179fs)

Gene: F11 (coagulation factor XI; plus strand). Cytogenetic location: 4q35.2.
Variant type: Deletion.
Coding change: c.534_541del on transcript NM_000128.4 (MANE Select); coding-DNA positions 534 to 541, 8 bases deleted (AACGAAGC; older notation c.534_541delAACGAAGC).
Protein change: p.Thr179fs; shifts the reading frame from threonine 179.
Molecular consequence: frameshift variant. On other transcripts: intron variant (4).
Genome position (GRCh38, 1-based): chr4:186,275,835-186,275,842, AACGAAGC deleted. VCF-style (leftmost placement, unchanged base first): chr4-186275834-TAACGAAGC-T. GRCh37 (hg19) VCF-style: chr4-187196988-TAACGAAGC-T.
Other names: c.534_541delAACGAAGC, p.Thr179Argfs (NM_000128.3); c.534_541del, p.Thr179fs (NM_001440590.1, NM_001440593.1, NM_001440596.1); c.485+1560_485+1567del (NM_001440605.1, NM_001440607.1, NM_001440606.1 and 1 more transcripts); short protein forms T179fs.
Identifiers: ClinVar variation 4817499 (VCV004817499.1).

ClinVar aggregate classification (germline): Likely pathogenic (1 of 4 stars; one submission).

Conditions:
Plasma factor XI deficiency.

Submission:

Natera, Inc.
Classification: Likely pathogenic for Plasma factor XI deficiency. Last evaluated: 2025-06-15. Review status: criteria provided, single submitter. Criteria: Natera Variant Classification Schema (03/2026). Collection method: clinical testing. Allele origin: germline.
Comment: The c.534_541del variant in F11 is a frameshift variant predicted to shift the reading frame beginning at codon 179 and leads to a stop codon 2 codons downstream. This variant is expected to result in nonsense mediated decay, truncation, or a dysfunctional protein product. This variant is rare in the general population with a frequency below the threshold expected for the associated phenotype(s). Given the available evidence, this variant is classified as Likely Pathogenic.